The following is an entry in ClinVar:

NM_004998.4(MYO1E):c.2640G>A (p.Lys880=)

Gene: MYO1E (myosin IE; minus strand). Cytogenetic location: 15q22.2.
Variant type: single nucleotide variant.
Coding change: c.2640G>A on transcript NM_004998.4 (MANE Select); coding-DNA position 2640, G replaced by A.
Protein change: p.Lys880=; no amino-acid change (lysine 880 retained).
Molecular consequence: synonymous variant.
Genome position (GRCh38, 1-based): chr15:59,161,218, C>T on the plus strand (G>A on the coding strand, the complement: MYO1E is on the minus strand). VCF-style: chr15-59161218-C-T. GRCh37 (hg19) VCF-style: chr15-59453417-C-T.
Identifiers: ClinVar variation 737078 (VCV000737078.8), dbSNP rs144794852, ClinGen allele CA7589156.

ClinVar aggregate classification (germline): Likely benign. Review status: criteria provided, multiple submitters, no conflicts (2 of 4 stars). 4 submissions from 4 submitters: Likely benign (3). 1 of the submissions does not count toward it. Last evaluated 2026-01-08.

Conditions:
MYO1E-related disorder. Also called: MYO1E-related condition.
Focal segmental glomerulosclerosis 6 (FSGS6). Identifiers: Orphanet 656, MedGen C3279905, MONDO:0013589, OMIM 614131.

Allele frequency attached by ClinVar (database versions not stated): ExAC 0.00014; ESP Exome Variant Server 0.00015; gnomAD exomes 0.00016 and 0.00019; gnomAD 0.00020 and 0.00021; TOPMed 0.00022; 1000 Genomes Project 0.00040; 1000 Genomes Project 30x 0.00047.
gnomAD v4.1: 317 of 1,613,892 alleles (0.02%); highest among the groups gnomAD compares: Middle Eastern, 0.099%; no homozygotes.

Submissions (4):

Labcorp Genetics (formerly Invitae), Labcorp
Classification: Likely benign. Last evaluated: 2026-01-08. Review status: criteria provided, single submitter. Criteria: Invitae Variant Classification Sherloc (09022015). Collection method: clinical testing. Allele origin: germline.

Fulgent Genetics
Classification: Likely benign for Focal segmental glomerulosclerosis 6. Last evaluated: 2021-10-07. Review status: criteria provided, single submitter. Criteria: ACMG Guidelines, 2015. Collection method: clinical testing. Allele origin: unknown.

Breakthrough Genomics
Classification: Likely benign. Review status: criteria provided, single submitter. Criteria: ACMG Guidelines, 2015. Collection method: not provided. Allele origin: germline. Inheritance: Autosomal recessive inheritance. Affected: yes.

PreventionGenetics, part of Exact Sciences
Classification: Likely benign for MYO1E-related condition. Last evaluated: 2019-06-28. Review status: no assertion criteria provided. Collection method: clinical testing. Allele origin: germline. Not counted in ClinVar's aggregate classification.
Comment: This variant is classified as likely benign based on ACMG/AMP sequence variant interpretation guidelines (Richards et al. 2015 PMID: 25741868, with internal and published modifications).